The following is an entry in ClinVar:

NM_021939.4(FKBP10):c.1247_1251dup (p.Thr418fs)

Gene: FKBP10 (FKBP prolyl isomerase 10; plus strand). Cytogenetic location: 17q21.2.
Variant type: Duplication.
Coding change: c.1247_1251dup on transcript NM_021939.4 (MANE Select); coding-DNA positions 1247 to 1251, 5 bases duplicated (TGTTC; older notation c.1247_1251dupTGTTC).
Protein change: p.Thr418fs; shifts the reading frame from threonine 418.
Molecular consequence: frameshift variant.
Genome position (GRCh38, 1-based): chr17:41,820,452-41,820,456, TGTTC duplicated; duplicating any 5 consecutive bases within chr17:41,820,451-41,820,456 gives the same sequence; the c. name uses the placement nearest the transcript's 3' end. VCF-style (leftmost placement, unchanged base first): chr17-41820450-G-GCTGTT. GRCh37 (hg19) VCF-style: chr17-39976702-G-GCTGTT.
Other names: short protein forms T418fs.
Identifiers: ClinVar variation 2823568 (VCV002823568.3), dbSNP rs1156397632, ClinGen allele CA626216361.
Genomic context (GRCh38, chr17:41,820,450, plus strand): 5'-CACCAAGCTTGGGGACTTTGTTCGATACCATTACAACTGTTCTTTGCTGGACGGCACCCA[G>GCTGTT]CTGTTCACCTCGTGGGTCCGGGGGGGGGCCGGGACTGGGCAGGTGGGTGGGCACAGGCAT-3'

ClinVar aggregate classification (germline): Pathogenic (1 of 4 stars; one submission).

Submission:

Labcorp Genetics (formerly Invitae), Labcorp
Classification: Pathogenic. Last evaluated: 2023-04-22. Review status: criteria provided, single submitter. Criteria: Invitae Variant Classification Sherloc (09022015). Collection method: clinical testing. Allele origin: germline.
Comment: This sequence change creates a premature translational stop signal (p.Thr418Cysfs*20) in the FKBP10 gene. It is expected to result in an absent or disrupted protein product. Loss-of-function variants in FKBP10 are known to be pathogenic (PMID: 22689593, 22949511). This variant is present in population databases (no rsID available, gnomAD 0.007%). This variant has not been reported in the literature in individuals affected with FKBP10-related conditions. For these reasons, this variant has been classified as Pathogenic.

Literature cited by the submitters: PubMed 22689593; PubMed 22949511.